The following is an entry in ClinVar:

NM_000548.5(TSC2):c.2743-17_2744del

Gene: TSC2 (TSC complex subunit 2; plus strand). Cytogenetic location: 16p13.3.
Variant type: Deletion.
Coding change: c.2743-17_2744del on transcript NM_000548.5 (MANE Select); 17 bases into the intron before coding-DNA position 2743 through coding-DNA position 2744, 19 bases deleted (TGTGCTCACTCTGCCAGGG).
Molecular consequence: splice acceptor variant.
Genome position (GRCh38, 1-based): chr16:2,076,474-2,076,492, TGTGCTCACTCTGCCAGGG deleted; deleting any 19 consecutive bases within chr16:2,076,471-2,076,492 gives the same sequence; the c. name uses the placement nearest the transcript's 3' end. VCF-style (leftmost placement, unchanged base first): chr16-2076470-TGGGTGTGCTCACTCTGCCA-T. GRCh37 (hg19) VCF-style: chr16-2126471-TGGGTGTGCTCACTCTGCCA-T.
Other names: c.2743-17_2744del (NM_001114382.3, NM_021055.3, NM_001370405.1 and 3 more transcripts); c.2632-17_2633del (NM_001318827.2); c.2143-17_2144del (NM_001318831.2); c.2596-17_2597del (NM_001318829.2); c.2776-17_2777del (NM_001318832.2).
Identifiers: ClinVar variation 2008483 (VCV002008483.4), dbSNP rs2543927233, ClinGen allele CA2580090873.

ClinVar aggregate classification (germline): Likely pathogenic (1 of 4 stars; one submission).

Conditions:
Tuberous sclerosis 2 (TSC2). Identifiers: Orphanet 805, MedGen C1860707, MONDO:0013199, OMIM 613254.

Submission:

Labcorp Genetics (formerly Invitae), Labcorp
Classification: Likely pathogenic for Tuberous sclerosis 2. Last evaluated: 2021-11-27. Review status: criteria provided, single submitter. Criteria: Invitae Variant Classification Sherloc (09022015). Collection method: clinical testing. Allele origin: germline.
Comment: This variant results in the deletion of part of exon 25 (c.2743-17_2744del) of the TSC2 gene. It is expected to disrupt RNA splicing. Variants that disrupt the donor or acceptor splice site typically lead to a loss of protein function (PMID: 16199547), and loss-of-function variants in TSC2 are known to be pathogenic (PMID: 10205261, 17304050). This variant is not present in population databases (gnomAD no frequency). This variant has not been reported in the literature in individuals affected with TSC2-related conditions. Algorithms developed to predict the effect of sequence changes on RNA splicing suggest that this variant may disrupt the consensus splice site. In summary, the currently available evidence indicates that the variant is pathogenic, but additional data are needed to prove that conclusively. Therefore, this variant has been classified as Likely Pathogenic.

Literature cited by the submitters: PubMed 16199547; PubMed 10205261; PubMed 17304050.